The following is an entry in ClinVar:

ClinVar aggregate classification (germline): Uncertain significance (1 of 4 stars; one submission).

Conditions:
Cardiovascular phenotype. Identifiers: MedGen CN230736.

Submission:

Ambry Genetics
Classification: Uncertain significance for Cardiovascular phenotype. Last evaluated: 2024-09-20. Review status: criteria provided, single submitter. Criteria: Ambry Variant Classification Scheme 2023. Collection method: clinical testing. Allele origin: germline.
Comment: The p.W85R variant (also known as c.253T>A), located in coding exon 2 of the LCAT gene, results from a T to A substitution at nucleotide position 253. The tryptophan at codon 85 is replaced by arginine, an amino acid with dissimilar properties. This amino acid position is conserved. In addition, this alteration is predicted to be deleterious by in silico analysis. Based on the available evidence, the clinical significance of this variant remains unclear.

NM_000229.2(LCAT):c.253T>A (p.Trp85Arg)

Gene: LCAT (lecithin-cholesterol acyltransferase; minus strand). Cytogenetic location: 16q22.1.
Variant type: single nucleotide variant.
Coding change: c.253T>A on transcript NM_000229.2 (MANE Select); coding-DNA position 253, T replaced by A.
Protein change: p.Trp85Arg; replaces tryptophan 85 with arginine.
Molecular consequence: missense variant.
Genome position (GRCh38, 1-based): chr16:67,943,114, A>T on the plus strand (T>A on the coding strand, the complement: LCAT is on the minus strand). VCF-style: chr16-67943114-A-T. GRCh37 (hg19) VCF-style: chr16-67977017-A-T.
Other names: short protein forms W85R.
Identifiers: ClinVar variation 3537469 (VCV003537469.1).